The following is an entry in ClinVar:

ClinVar aggregate classification (germline): Conflicting classifications of pathogenicity. Review status: criteria provided, conflicting classifications (1 of 4 stars). 2 submissions from 2 submitters: Uncertain significance (1); Likely benign (1). Last evaluated 2022-07-01.

Submissions (2):

GeneDx
Classification: Uncertain significance. Last evaluated: 2022-07-01. Review status: criteria provided, single submitter. Criteria: GeneDx Variant Classification Process June 2021. Collection method: clinical testing. Allele origin: germline. Affected: yes.
Comment: Not observed at significant frequency in large population cohorts (gnomAD); In silico analysis supports that this variant does not alter splicing; Has not been previously published as pathogenic or benign to our knowledge

Labcorp Genetics (formerly Invitae), Labcorp
Classification: Likely benign. Last evaluated: 2022-04-29. Review status: criteria provided, single submitter. Criteria: Invitae Variant Classification Sherloc (09022015). Collection method: clinical testing. Allele origin: germline.

NM_001844.5(COL2A1):c.4005C>T (p.Asn1335=)

Gene: COL2A1 (collagen type II alpha 1 chain; minus strand). Cytogenetic location: 12q13.11.
Variant type: single nucleotide variant.
Coding change: c.4005C>T on transcript NM_001844.5 (MANE Select); coding-DNA position 4005, C replaced by T.
Protein change: p.Asn1335=; no amino-acid change (asparagine 1335 retained).
Molecular consequence: synonymous variant.
Genome position (GRCh38, 1-based): chr12:47,974,744, G>A on the plus strand (C>T on the coding strand, the complement: COL2A1 is on the minus strand). VCF-style: chr12-47974744-G-A. GRCh37 (hg19) VCF-style: chr12-48368527-G-A.
Other names: c.3798C>T, p.Asn1266= (NM_033150.3).
Identifiers: ClinVar variation 1810108 (VCV001810108.6), dbSNP rs2540097285, ClinGen allele CA479450822.